The following is an entry in ClinVar:

NM_001379200.1(TBX1):c.999_1000delinsAA (p.Val334Met)

Gene: TBX1 (T-box transcription factor 1; plus strand). Cytogenetic location: 22q11.21.
Variant type: Indel.
Coding change: c.999_1000delinsAA on transcript NM_001379200.1 (MANE Select); coding-DNA positions 999 to 1000, CG replaced by AA.
Protein change: p.Val334Met; replaces valine 334 with methionine.
Molecular consequence: missense variant.
Genome position (GRCh38, 1-based): chr22:19,765,965-19,765,966, CG replaced by AA. VCF-style: chr22-19765965-CG-AA. GRCh37 (hg19) VCF-style: chr22-19753488-CG-AA.
Other names: c.972_973delinsAA, p.Val325Met (NM_005992.1, NM_080646.2, NM_080647.1); short protein forms V325M, V334M.
Identifiers: ClinVar variation 3039647 (VCV003039647.3), dbSNP rs2517855241, ClinGen allele CA2740094782.

ClinVar aggregate classification (germline): Uncertain significance. Review status: criteria provided, single submitter (1 of 4 stars). 2 submissions from 2 submitters: Uncertain significance (1). 1 of the submissions does not count toward it. Last evaluated 2026-01-14.

Conditions:
TBX1-related disorder. Also called: TBX1-Related Disorders; TBX1-related condition.
DiGeorge syndrome. Also called: THIRD AND FOURTH PHARYNGEAL POUCH SYNDROME; Catch22. Identifiers: Orphanet 567, MedGen C0012236, MONDO:0008564, OMIM 188400.

Submissions (2):

Labcorp Genetics (formerly Invitae), Labcorp
Classification: Uncertain significance for DiGeorge syndrome. Last evaluated: 2026-01-14. Review status: criteria provided, single submitter. Criteria: Invitae Variant Classification Sherloc (09022015). Collection method: clinical testing. Allele origin: germline.
Comment: This sequence change replaces valine, which is neutral and non-polar, with methionine, which is neutral and non-polar, at codon 325 of the TBX1 protein (p.Val325Met). Information on the frequency of this variant in the gnomAD database is not available, as this variant may be reported differently in the database. This variant has not been reported in the literature in individuals affected with TBX1-related conditions. ClinVar contains an entry for this variant (Variation ID: 3039647). Experimental studies and prediction algorithms are not available or were not evaluated, and the functional significance of this variant is currently unknown. In summary, the available evidence is currently insufficient to determine the role of this variant in disease. Therefore, it has been classified as a Variant of Uncertain Significance.

PreventionGenetics, part of Exact Sciences
Classification: Uncertain significance for TBX1-related condition. Last evaluated: 2023-12-29. Review status: no assertion criteria provided. Collection method: clinical testing. Allele origin: germline. Not counted in ClinVar's aggregate classification.
Comment: The TBX1 c.972_973delinsAA variant is predicted to result in an in-frame deletion and insertion. To our knowledge, this variant has not been reported in the literature or in a large population database, indicating this variant is rare. Of note, in other species a methionine (Met) is present at the Val325 residue. At this time, the clinical significance of this variant is uncertain due to the absence of conclusive functional and genetic evidence.